The following is an entry in ClinVar:

NM_032447.5(FBN3):c.8055C>G (p.Asp2685Glu)

Gene: FBN3 (fibrillin 3; minus strand). Cytogenetic location: 19p13.2.
Variant type: single nucleotide variant.
Coding change: c.8055C>G on transcript NM_032447.5 (MANE Select); coding-DNA position 8055, C replaced by G.
Protein change: p.Asp2685Glu; replaces aspartic acid 2685 with glutamic acid.
Molecular consequence: missense variant.
Genome position (GRCh38, 1-based): chr19:8,072,081, G>C on the plus strand (C>G on the coding strand, the complement: FBN3 is on the minus strand). VCF-style: chr19-8072081-G-C. GRCh37 (hg19) VCF-style: chr19-8136965-G-C.
Other names: c.8055C>G, p.Asp2685Glu (NM_001321431.2); short protein forms D2685E.
Identifiers: ClinVar variation 4777625 (VCV004777625.1).

ClinVar aggregate classification (germline): Uncertain significance (1 of 4 stars; one submission).

gnomAD v4.1: 16 of 1,612,622 alleles (0.00099%); highest among the groups gnomAD compares: Non-Finnish European, 0.0013%; no homozygotes.

Submission:

Labcorp Genetics (formerly Invitae), Labcorp
Classification: Uncertain significance. Last evaluated: 2025-06-15. Review status: criteria provided, single submitter. Criteria: Invitae Variant Classification Sherloc (09022015). Collection method: clinical testing. Allele origin: germline.
Comment: This sequence change replaces aspartic acid, which is acidic and polar, with glutamic acid, which is acidic and polar, at codon 2685 of the FBN3 protein (p.Asp2685Glu). This variant is not present in population databases (gnomAD no frequency). This variant has not been reported in the literature in individuals affected with FBN3-related conditions. Invitae Evidence Modeling of protein sequence and biophysical properties (such as structural, functional, and spatial information, amino acid conservation, physicochemical variation, residue mobility, and thermodynamic stability) indicates that this missense variant is not expected to disrupt FBN3 protein function with a negative predictive value of 80%. In summary, the available evidence is currently insufficient to determine the role of this variant in disease. Therefore, it has been classified as a Variant of Uncertain Significance.